The following is an entry in ClinVar:

NM_001005337.3(PKP1):c.906C>T (p.Asn302=)

Gene: PKP1 (plakophilin 1; plus strand). Cytogenetic location: 1q32.1.
Variant type: single nucleotide variant.
Coding change: c.906C>T on transcript NM_001005337.3 (MANE Select); coding-DNA position 906, C replaced by T.
Protein change: p.Asn302=; no amino-acid change (asparagine 302 retained).
Molecular consequence: synonymous variant.
Genome position (GRCh38, 1-based): chr1:201,317,631, C>T. VCF-style: chr1-201317631-C-T. GRCh37 (hg19) VCF-style: chr1-201286759-C-T.
Other names: c.906C>T, p.Asn302= (NM_000299.4).
Identifiers: ClinVar variation 2639777 (VCV002639777.24), dbSNP rs190053583, ClinGen allele CA1324234.

ClinVar aggregate classification (germline): Likely benign (1 of 4 stars; one submission).

Allele frequency attached by ClinVar (database versions not stated): ExAC 0.00002; 1000 Genomes Project 30x 0.00016; 1000 Genomes Project 0.00020.
gnomAD v4.1: 128 of 1,614,088 alleles (0.0079%); highest among the groups gnomAD compares: East Asian, 0.036%; no homozygotes.

Submission:

CeGaT Center for Human Genetics Tuebingen
Classification: Likely benign. Last evaluated: 2023-03-01. Review status: criteria provided, single submitter. Criteria: CeGaT Center For Human Genetics Tuebingen Variant Classification Criteria Version 2. Collection method: clinical testing. Allele origin: germline. Affected: yes. Observed: 1 variant allele.
Comment: PKP1: BP4, BP7